The following is an entry in ClinVar:

ClinVar aggregate classification (germline): Conflicting classifications of pathogenicity. Review status: criteria provided, conflicting classifications (1 of 4 stars). 4 submissions from 4 submitters: Uncertain significance (3); Benign (1). Last evaluated 2025-11-24.

Conditions:
Hereditary cancer-predisposing syndrome. Also called: Tumor predisposition; Hereditary Cancer Syndrome; Hereditary neoplastic syndrome; Neoplastic Syndromes, Hereditary. Identifiers: Orphanet 140162, MedGen C0027672, MeSH D009386, MONDO:0015356.
Tuberous sclerosis syndrome (TSC). Also called: Tuberous Sclerosis Complex; Tuberous sclerosis. Identifiers: Orphanet 805, MedGen C0041341, MONDO:0001734.
Tuberous sclerosis 1 (TSC1). Identifiers: Orphanet 805, MedGen C1854465, MONDO:0008612, OMIM 191100.

Allele frequency attached by ClinVar (database versions not stated): TOPMed below 0.00001.

Submissions (4):

Labcorp Genetics (formerly Invitae), Labcorp
Classification: Benign for Tuberous sclerosis 1. Last evaluated: 2025-11-24. Review status: criteria provided, single submitter. Criteria: Invitae Variant Classification Sherloc (09022015). Collection method: clinical testing. Allele origin: germline.

All of Us Research Program, National Institutes of Health
Classification: Uncertain significance for Tuberous sclerosis syndrome. Last evaluated: 2024-05-14. Review status: criteria provided, single submitter. Criteria: ACMG Guidelines, 2015. Collection method: clinical testing. Allele origin: germline. Inheritance: Autosomal dominant inheritance. Observed: 1 variant allele, 1 heterozygote.
Comment: This missense variant replaces aspartic acid with glycine at codon 686 of the TSC1 protein. Computational prediction suggests that this variant may have deleterious impact on protein structure and function. Splice site prediction tools predict that this variant may have a significant impact on RNA splicing. To our knowledge, functional studies have not been reported for this variant. This variant has not been reported in individuals affected with TSC1-related disorders in the literature. This variant has not been identified in the general population by the Genome Aggregation Database (gnomAD). The available evidence is insufficient to determine the role of this variant in disease conclusively. Therefore, this variant is classified as a Variant of Uncertain Significance.

This study involves interpretation of variants in research participants for the purpose of population health screening. Participant phenotype was not available at the time of variant classification. Additional details can be found in publication PMID: 35346344, PMCID: PMC8962531

Ambry Genetics
Classification: Uncertain significance for Hereditary cancer-predisposing syndrome. Last evaluated: 2024-04-06. Review status: criteria provided, single submitter. Criteria: Ambry Variant Classification Scheme 2023. Collection method: clinical testing. Allele origin: germline.

Genome-Nilou Lab
Classification: Uncertain significance for Tuberous sclerosis 1. Last evaluated: 2021-11-07. Review status: criteria provided, single submitter. Criteria: ACMG Guidelines, 2015. Collection method: clinical testing. Allele origin: germline. Affected: no.

NM_000368.5(TSC1):c.2057A>G (p.Asp686Gly)

Gene: TSC1 (TSC complex subunit 1; minus strand). Cytogenetic location: 9q34.13.
Variant type: single nucleotide variant.
Coding change: c.2057A>G on transcript NM_000368.5 (MANE Select); coding-DNA position 2057, A replaced by G.
Protein change: p.Asp686Gly; replaces aspartic acid 686 with glycine.
Molecular consequence: missense variant.
Genome position (GRCh38, 1-based): chr9:132,903,802, T>C on the plus strand (A>G on the coding strand, the complement: TSC1 is on the minus strand). VCF-style: chr9-132903802-T-C. GRCh37 (hg19) VCF-style: chr9-135779189-T-C.
Other names: c.2054A>G, p.Asp685Gly (NM_001162426.2); c.1904A>G, p.Asp635Gly (NM_001162427.2); c.1694A>G, p.Asp565Gly (NM_001362177.2); short protein forms D686G, D565G, D685G, D635G.
Identifiers: ClinVar variation 184442 (VCV000184442.18), dbSNP rs786201465, ClinGen allele CA005874.